The following is an entry in ClinVar:

NM_001372.4(DNAH9):c.403G>A (p.Ala135Thr)

Gene: DNAH9 (dynein axonemal heavy chain 9; plus strand). Cytogenetic location: 17p12.
Variant type: single nucleotide variant.
Coding change: c.403G>A on transcript NM_001372.4 (MANE Select); coding-DNA position 403, G replaced by A.
Protein change: p.Ala135Thr; replaces alanine 135 with threonine.
Molecular consequence: missense variant.
Genome position (GRCh38, 1-based): chr17:11,598,901, G>A. VCF-style: chr17-11598901-G-A. GRCh37 (hg19) VCF-style: chr17-11502218-G-A.
Other names: short protein forms A135T.
Identifiers: ClinVar variation 2972348 (VCV002972348.3), dbSNP rs750536301, ClinGen allele CA8394508.

ClinVar aggregate classification (germline): Uncertain significance (1 of 4 stars; one submission).

Allele frequency attached by ClinVar (database versions not stated): gnomAD 0.00001.
gnomAD v4.1: 4 of 1,535,918 alleles (0.00026%); highest among the groups gnomAD compares: Admixed American, 0.0056%; no homozygotes.

Submission:

Labcorp Genetics (formerly Invitae), Labcorp
Classification: Uncertain significance. Last evaluated: 2022-12-29. Review status: criteria provided, single submitter. Criteria: Invitae Variant Classification Sherloc (09022015). Collection method: clinical testing. Allele origin: germline.
Comment: In summary, the available evidence is currently insufficient to determine the role of this variant in disease. Therefore, it has been classified as a Variant of Uncertain Significance. Algorithms developed to predict the effect of missense changes on protein structure and function output the following: SIFT: "Tolerated"; PolyPhen-2: "Benign"; Align-GVGD: "Class C0". The threonine amino acid residue is found in multiple mammalian species, which suggests that this missense change does not adversely affect protein function. This variant has not been reported in the literature in individuals affected with DNAH9-related conditions. The frequency data for this variant in the population databases is considered unreliable, as metrics indicate poor data quality at this position in the gnomAD database. This sequence change replaces alanine, which is neutral and non-polar, with threonine, which is neutral and polar, at codon 135 of the DNAH9 protein (p.Ala135Thr).